The following is an entry in ClinVar:

ClinVar aggregate classification (germline): Uncertain significance (1 of 4 stars; one submission).

Submission:

Labcorp Genetics (formerly Invitae), Labcorp
Classification: Uncertain significance. Last evaluated: 2021-04-10. Review status: criteria provided, single submitter. Criteria: Invitae Variant Classification Sherloc (09022015). Collection method: clinical testing. Allele origin: germline.
Comment: In summary, the available evidence is currently insufficient to determine the role of this variant in disease. Therefore, it has been classified as a Variant of Uncertain Significance. Algorithms developed to predict the effect of sequence changes on RNA splicing suggest that this variant may create or strengthen a splice site, but this prediction has not been confirmed by published transcriptional studies. Advanced modeling of protein sequence and biophysical properties (such as structural, functional, and spatial information, amino acid conservation, physicochemical variation, residue mobility, and thermodynamic stability) performed at Invitae indicates that this missense variant is not expected to disrupt CACNA1E protein function. This variant has not been reported in the literature in individuals with CACNA1E-related conditions. This variant is not present in population databases (ExAC no frequency). This sequence change replaces arginine with serine at codon 2038 of the CACNA1E protein (p.Arg2038Ser). The arginine residue is highly conserved and there is a moderate physicochemical difference between arginine and serine.

NM_001205293.3(CACNA1E):c.6243G>T (p.Arg2081Ser)

Gene: CACNA1E (calcium voltage-gated channel subunit alpha1 E; plus strand). Cytogenetic location: 1q25.3.
Variant type: single nucleotide variant.
Coding change: c.6243G>T on transcript NM_001205293.3 (MANE Select); coding-DNA position 6243, G replaced by T.
Protein change: p.Arg2081Ser; replaces arginine 2081 with serine.
Molecular consequence: missense variant.
Genome position (GRCh38, 1-based): chr1:181,796,702, G>T. VCF-style: chr1-181796702-G-T. GRCh37 (hg19) VCF-style: chr1-181765838-G-T.
Other names: c.6114G>T, p.Arg2038Ser (NM_000721.4); c.6057G>T, p.Arg2019Ser (NM_001205294.2); short protein forms R2081S, R2019S, R2038S.
Identifiers: ClinVar variation 1476117 (VCV001476117.8), dbSNP rs759011987, ClinGen allele CA343633232.